The following is an entry in ClinVar:

NM_002880.4(RAF1):c.312A>C (p.Glu104Asp)

Gene: RAF1 (Raf-1 proto-oncogene, serine/threonine kinase; minus strand). Cytogenetic location: 3p25.2.
Variant type: single nucleotide variant.
Coding change: c.312A>C on transcript NM_002880.4 (MANE Select); coding-DNA position 312, A replaced by C.
Protein change: p.Glu104Asp; replaces glutamic acid 104 with aspartic acid.
Molecular consequence: missense variant. On other transcripts: non-coding transcript variant (3), intron variant (4).
Genome position (GRCh38, 1-based): chr3:12,611,958, T>G on the plus strand (A>C on the coding strand, the complement: RAF1 is on the minus strand). VCF-style: chr3-12611958-T-G. GRCh37 (hg19) VCF-style: chr3-12653457-T-G.
Other names: c.312A>C, p.Glu104Asp (NM_001354689.3, NM_001354690.3, NM_001354693.3); c.78-2623A>C (NM_001354695.3, NM_001354692.3, NM_001354694.3 and 1 more transcripts); short protein forms E104D.
Identifiers: ClinVar variation 2119688 (VCV002119688.4), dbSNP rs2125430125, ClinGen allele CA351519900.

ClinVar aggregate classification (germline): Uncertain significance (1 of 4 stars; one submission).

Conditions:
RASopathy. Also called: rasopathies; Noonan spectrum disorder. Identifiers: Orphanet 536391, MedGen C5555857, MONDO:0021060.

Submission:

Labcorp Genetics (formerly Invitae), Labcorp
Classification: Uncertain significance for RASopathy. Last evaluated: 2022-03-30. Review status: criteria provided, single submitter. Criteria: Invitae Variant Classification Sherloc (09022015). Collection method: clinical testing. Allele origin: germline.
Comment: This sequence change replaces glutamic acid, which is acidic and polar, with aspartic acid, which is acidic and polar, at codon 104 of the RAF1 protein (p.Glu104Asp). This variant is not present in population databases (gnomAD no frequency). This variant has not been reported in the literature in individuals affected with RAF1-related conditions. Advanced modeling of protein sequence and biophysical properties (such as structural, functional, and spatial information, amino acid conservation, physicochemical variation, residue mobility, and thermodynamic stability) performed at Invitae indicates that this missense variant is not expected to disrupt RAF1 protein function. In summary, the available evidence is currently insufficient to determine the role of this variant in disease. Therefore, it has been classified as a Variant of Uncertain Significance.